The following is an entry in ClinVar:

NM_000426.4(LAMA2):c.3292T>C (p.Trp1098Arg)

Gene: LAMA2 (laminin subunit alpha 2; plus strand). Cytogenetic location: 6q22.33.
Variant type: single nucleotide variant.
Coding change: c.3292T>C on transcript NM_000426.4 (MANE Select); coding-DNA position 3292, T replaced by C.
Protein change: p.Trp1098Arg; replaces tryptophan 1098 with arginine.
Molecular consequence: missense variant.
Genome position (GRCh38, 1-based): chr6:129,312,978, T>C. VCF-style: chr6-129312978-T-C. GRCh37 (hg19) VCF-style: chr6-129634123-T-C.
Other names: c.3292T>C, p.Trp1098Arg (NM_001079823.2); short protein forms W1098R.
Identifiers: ClinVar variation 1311232 (VCV001311232.2), dbSNP rs2114494197, ClinGen allele CA365611889.

ClinVar aggregate classification (germline): Uncertain significance (1 of 4 stars; one submission).

Submission:

GeneDx
Classification: Uncertain significance. Last evaluated: 2019-12-24. Review status: criteria provided, single submitter. Criteria: GeneDx Variant Classification Process June 2021. Collection method: clinical testing. Allele origin: germline. Affected: yes.
Comment: Not observed in large population cohorts (Lek et al., 2016); In silico analysis, which includes protein predictors and evolutionary conservation, supports that this variant does not alter protein structure/function; Has not been previously published as pathogenic or benign to our knowledge